The following is an entry in ClinVar:

ClinVar aggregate classification (germline): not provided (0 of 4 stars; one submission).

gnomAD v4.1: 3 of 1,387,804 alleles (0.00022%); highest among the groups gnomAD compares: Non-Finnish European, 0.00029%; no homozygotes.

Submission:

ITMI
No classification provided. Condition: AllHighlyPenetrant. Last evaluated: 2013-09-19. Review status: no classification provided. Collection method: reference population. Allele origin: germline.
Comment: Please see associated publication for description of ethnicities

Literature cited by the submitters: PubMed 24728327.

NM_003820.4(TNFRSF14):c.305-397T>A

Gene: TNFRSF14 (TNF receptor superfamily member 14; plus strand). Cytogenetic location: 1p36.32.
Variant type: single nucleotide variant.
Coding change: c.305-397T>A on transcript NM_003820.4 (MANE Select); 397 bases into the intron before coding-DNA position 305, T replaced by A.
Molecular consequence: intron variant.
Genome position (GRCh38, 1-based): chr1:2,559,426, T>A. VCF-style: chr1-2559426-T-A. GRCh37 (hg19) VCF-style: chr1-2490865-T-A.
Other names: c.305-397T>A (NM_001297605.2).
Identifiers: ClinVar variation 133403 (VCV000133403.1), dbSNP rs587777987, ClinGen allele CA156495.